The following is an entry in ClinVar:

ClinVar aggregate classification (germline): Uncertain significance. Review status: criteria provided, multiple submitters, no conflicts (2 of 4 stars). 4 submissions from 4 submitters: Uncertain significance (4). Last evaluated 2025-11-20.

Conditions:
Inborn genetic diseases. Identifiers: MedGen C0950123, MeSH D030342.
Larsen-like syndrome, B3GAT3 type. Also called: Multiple joint dislocations, short stature, craniofacial dysmorphism, with or without congenital heart defects; MULTIPLE JOINT DISLOCATIONS, SHORT STATURE, AND CRANIOFACIAL DYSMORPHISM WITH OR WITHOUT CONGENITAL HEART DEFECTS. Identifiers: Orphanet 284139, MedGen CN034159, MONDO:0009511, OMIM 245600.

Allele frequency attached by ClinVar (database versions not stated): gnomAD exomes 0.00001 and 0.00004; ExAC 0.00004; gnomAD 0.00005 and 0.00006; ESP Exome Variant Server 0.00008; TOPMed 0.00009; 1000 Genomes Project 30x 0.00016; 1000 Genomes Project 0.00020.
gnomAD v4.1: 60 of 1,612,984 alleles (0.0037%); highest among the groups gnomAD compares: East Asian, 0.011%; 1 homozygote.

Submissions (4):

Labcorp Genetics (formerly Invitae), Labcorp
Classification: Uncertain significance for Larsen-like syndrome, B3GAT3 type. Last evaluated: 2025-11-20. Review status: criteria provided, single submitter. Criteria: Invitae Variant Classification Sherloc (09022015). Collection method: clinical testing. Allele origin: germline.
Comment: This sequence change replaces arginine, which is basic and polar, with glutamine, which is neutral and polar, at codon 95 of the B3GAT3 protein (p.Arg95Gln). This variant is present in population databases (rs144327434, gnomAD 0.01%). This variant has not been reported in the literature in individuals affected with B3GAT3-related conditions. ClinVar contains an entry for this variant (Variation ID: 1193873). Invitae Evidence Modeling of protein sequence and biophysical properties (such as structural, functional, and spatial information, amino acid conservation, physicochemical variation, residue mobility, and thermodynamic stability) has been performed for this missense variant. However, the output from this modeling did not meet the statistical confidence thresholds required to predict the impact of this variant on B3GAT3 protein function. In summary, the available evidence is currently insufficient to determine the role of this variant in disease. Therefore, it has been classified as a Variant of Uncertain Significance.

Blueprint Genetics
Classification: Uncertain significance. Last evaluated: 2024-07-12. Review status: criteria provided, single submitter. Criteria: ACMG Guidelines, 2015. Collection method: clinical testing. Allele origin: germline.

Ambry Genetics
Classification: Uncertain significance for Inborn genetic diseases. Last evaluated: 2024-01-23. Review status: criteria provided, single submitter. Criteria: Ambry Variant Classification Scheme 2023. Collection method: clinical testing. Allele origin: germline.

GeneDx
Classification: Uncertain significance. Last evaluated: 2023-04-28. Review status: criteria provided, single submitter. Criteria: GeneDx Variant Classification Process June 2021. Collection method: clinical testing. Allele origin: germline. Affected: yes.
Comment: Not observed at significant frequency in large population cohorts (gnomAD); In silico analysis supports that this missense variant has a deleterious effect on protein structure/function; Has not been previously published as pathogenic or benign to our knowledge

NM_012200.4(B3GAT3):c.284G>A (p.Arg95Gln)

Gene: B3GAT3 (beta-1,3-glucuronyltransferase 3; minus strand). Cytogenetic location: 11q12.3.
Variant type: single nucleotide variant.
Coding change: c.284G>A on transcript NM_012200.4 (MANE Select); coding-DNA position 284, G replaced by A.
Protein change: p.Arg95Gln; replaces arginine 95 with glutamine.
Molecular consequence: missense variant. On other transcripts: non-coding transcript variant (1).
Genome position (GRCh38, 1-based): chr11:62,617,321, C>T on the plus strand (G>A on the coding strand, the complement: B3GAT3 is on the minus strand). VCF-style: chr11-62617321-C-T. GRCh37 (hg19) VCF-style: chr11-62384793-C-T.
Other names: c.263G>A, p.Arg88Gln (NM_001288721.2); c.284G>A, p.Arg95Gln (NM_001288722.2, NM_001288723.2); short protein forms R88Q, R95Q.
Identifiers: ClinVar variation 1193873 (VCV001193873.9), dbSNP rs144327434, ClinGen allele CA6050146.